The following is an entry in ClinVar:

NM_000135.4(FANCA):c.2752G>C (p.Glu918Gln)

Gene: FANCA (FA complementation group A; minus strand). Cytogenetic location: 16q24.3.
Variant type: single nucleotide variant.
Coding change: c.2752G>C on transcript NM_000135.4 (MANE Select); coding-DNA position 2752, G replaced by C.
Protein change: p.Glu918Gln; replaces glutamic acid 918 with glutamine.
Molecular consequence: missense variant.
Genome position (GRCh38, 1-based): chr16:89,764,916, C>G on the plus strand (G>C on the coding strand, the complement: FANCA is on the minus strand). VCF-style: chr16-89764916-C-G. GRCh37 (hg19) VCF-style: chr16-89831324-C-G.
Other names: c.2752G>C, p.Glu918Gln (NM_001286167.3); short protein forms E918Q.
Identifiers: ClinVar variation 2984181 (VCV002984181.4), dbSNP rs1310052097, ClinGen allele CA397438008.

ClinVar aggregate classification (germline): Uncertain significance. Review status: criteria provided, multiple submitters, no conflicts (2 of 4 stars). 2 submissions from 2 submitters: Uncertain significance (2). Last evaluated 2024-11-30.

Conditions:
Inborn genetic diseases. Identifiers: MedGen C0950123, MeSH D030342.
Fanconi anemia (FA). Also called: Fanconi's anemia. Identifiers: Orphanet 84, MedGen C0015625, MeSH D005199, MONDO:0019391.

Allele frequency attached by ClinVar (database versions not stated): TOPMed below 0.00001; gnomAD 0.00001.
gnomAD v4.1: 5 of 1,614,072 alleles (0.00031%); highest among the groups gnomAD compares: African/African-American, 0.0027%; no homozygotes.

Submissions (2):

Ambry Genetics
Classification: Uncertain significance for Inborn genetic diseases. Last evaluated: 2024-11-30. Review status: criteria provided, single submitter. Criteria: Ambry Variant Classification Scheme 2023. Collection method: clinical testing. Allele origin: germline.
Comment: The p.E918Q variant (also known as c.2752G>C), located in coding exon 28 of the FANCA gene, results from a G to C substitution at nucleotide position 2752. The glutamic acid at codon 918 is replaced by glutamine, an amino acid with highly similar properties. This amino acid position is conserved. In addition, the in silico prediction for this alteration is inconclusive. Based on the available evidence, the clinical significance of this variant remains unclear.

Labcorp Genetics (formerly Invitae), Labcorp
Classification: Uncertain significance for Fanconi anemia. Last evaluated: 2023-12-11. Review status: criteria provided, single submitter. Criteria: Invitae Variant Classification Sherloc (09022015). Collection method: clinical testing. Allele origin: germline.
Comment: This sequence change replaces glutamic acid, which is acidic and polar, with glutamine, which is neutral and polar, at codon 918 of the FANCA protein (p.Glu918Gln). This variant is present in population databases (no rsID available, gnomAD 0.01%). This variant has not been reported in the literature in individuals affected with FANCA-related conditions. Advanced modeling of protein sequence and biophysical properties (such as structural, functional, and spatial information, amino acid conservation, physicochemical variation, residue mobility, and thermodynamic stability) performed at Invitae indicates that this missense variant is not expected to disrupt FANCA protein function with a negative predictive value of 80%. In summary, the available evidence is currently insufficient to determine the role of this variant in disease. Therefore, it has been classified as a Variant of Uncertain Significance.